The following is an entry in ClinVar:

ClinVar aggregate classification (germline): Uncertain significance (1 of 4 stars; one submission).

gnomAD v4.1: 2 of 1,614,132 alleles (0.00012%); highest among the groups gnomAD compares: Non-Finnish European, 0.00017%; no homozygotes.

Submission:

Ambry Genetics
Classification: Uncertain significance. Last evaluated: 2024-04-03. Review status: criteria provided, single submitter. Criteria: Ambry Variant Classification Scheme 2023. Collection method: clinical testing. Allele origin: germline.
Comment: The c.1206C>T variant (also known as p.L402L), located in coding exon 12 of the KIF1B gene, results from a C to T substitution at nucleotide position 1206. This nucleotide substitution does not change the leucine at codon 402. This nucleotide position is poorly conserved in available vertebrate species. In silico splice site analysis for this alteration is inconclusive. The evidence for this gene-disease relationship is limited; therefore, the clinical significance of this alteration is unclear.

NM_001365951.3(KIF1B):c.1344C>T (p.Leu448=)

Gene: KIF1B (kinesin family member 1B; plus strand). Cytogenetic location: 1p36.22.
Variant type: single nucleotide variant.
Coding change: c.1344C>T on transcript NM_001365951.3 (MANE Select); coding-DNA position 1344, C replaced by T.
Protein change: p.Leu448=; no amino-acid change (leucine 448 retained).
Molecular consequence: synonymous variant.
Genome position (GRCh38, 1-based): chr1:10,282,443, C>T. VCF-style: chr1-10282443-C-T. GRCh37 (hg19) VCF-style: chr1-10342501-C-T.
Other names: c.1344C>T, p.Leu448= (NM_001365952.1); c.1206C>T, p.Leu402= (NM_001365953.1, NM_015074.3, NM_183416.4).
Identifiers: ClinVar variation 3288357 (VCV003288357.1).